The following is an entry in ClinVar:

NM_003072.5(SMARCA4):c.2013A>G (p.Glu671=)

Gene: SMARCA4 (SWI/SNF related BAF chromatin remodeling complex subunit ATPase 4; plus strand). Cytogenetic location: 19p13.2.
Variant type: single nucleotide variant.
Coding change: c.2013A>G on transcript NM_003072.5 (MANE Select); coding-DNA position 2013, A replaced by G.
Protein change: p.Glu671=; no amino-acid change (glutamic acid 671 retained).
Molecular consequence: synonymous variant. On other transcripts: non-coding transcript variant (1).
Genome position (GRCh38, 1-based): chr19:11,007,913, A>G. VCF-style: chr19-11007913-A-G. GRCh37 (hg19) VCF-style: chr19-11118589-A-G.
Other names: c.2013A>G, p.Glu671= (NM_001128844.3, NM_001128845.2, NM_001128846.2 and 6 more transcripts).
Identifiers: ClinVar variation 5040823 (VCV005040823.1).

ClinVar aggregate classification (germline): Likely benign (1 of 4 stars; one submission).

Submission:

CeGaT Center for Human Genetics Tuebingen
Classification: Likely benign. Last evaluated: 2026-09-01. Review status: criteria provided, single submitter. Criteria: CeGaT Center For Human Genetics Tuebingen Variant Classification Criteria Version 2. Collection method: clinical testing. Allele origin: germline. Affected: yes. Observed: 1 variant allele.
Comment: SMARCA4: PM2:Supporting, BP4, BP7